The following is an entry in ClinVar:

ClinVar aggregate classification (germline): Likely benign. Review status: criteria provided, multiple submitters, no conflicts (2 of 4 stars). 2 submissions from 2 submitters: Likely benign (2). Last evaluated 2023-11-24.

Conditions:
CHARGE syndrome (CHARGE). Also called: CHARGE ASSOCIATION--COLOBOMA, HEART ANOMALY, CHOANAL ATRESIA, RETARDATION, GENITAL AND EAR ANOMALIES; Coloboma, heart anomaly, choanal atresia, retardation, genital and ear anomalies; CHARGE association; Hall-Hittner syndrome; Hittner Hirsch Kreh syndrome. Identifiers: Orphanet 138, MedGen C0265354, MONDO:0008965.

gnomAD v4.1: 4 of 1,612,676 alleles (0.00025%); no homozygotes.

Submissions (2):

Labcorp Genetics (formerly Invitae), Labcorp
Classification: Likely benign for CHARGE syndrome. Last evaluated: 2023-11-24. Review status: criteria provided, single submitter. Criteria: Invitae Variant Classification Sherloc (09022015). Collection method: clinical testing. Allele origin: germline.

GeneDx
Classification: Likely benign. Last evaluated: 2016-01-08. Review status: criteria provided, single submitter. Criteria: GeneDx Variant Classification (06012015). Collection method: clinical testing. Allele origin: germline. Affected: yes.
Comment: This variant is considered likely benign or benign based on one or more of the following criteria: it is a conservative change, it occurs at a poorly conserved position in the protein, it is predicted to be benign by multiple in silico algorithms, and/or has population frequency not consistent with disease.

NM_017780.4(CHD7):c.1179A>T (p.Pro393=)

Gene: CHD7 (chromodomain helicase DNA binding protein 7; plus strand). Cytogenetic location: 8q12.2.
Variant type: single nucleotide variant.
Coding change: c.1179A>T on transcript NM_017780.4 (MANE Select); coding-DNA position 1179, A replaced by T.
Protein change: p.Pro393=; no amino-acid change (proline 393 retained).
Molecular consequence: synonymous variant.
Genome position (GRCh38, 1-based): chr8:60,742,611, A>T. VCF-style: chr8-60742611-A-T. GRCh37 (hg19) VCF-style: chr8-61655170-A-T.
Other names: c.1179A>T (LRG_176t1); c.1179A>T, p.Pro393= (NM_001316690.1).
Identifiers: ClinVar variation 383104 (VCV000383104.4), dbSNP rs111238892, ClinGen allele CA4759443.